The following is an entry in ClinVar:

ClinVar aggregate classification (germline): Pathogenic. Review status: reviewed by expert panel (3 of 4 stars). 7 submissions from 7 submitters: Pathogenic (1). 6 of the submissions do not count toward it. Last evaluated 2013-09-05.

Conditions:
Hereditary cancer-predisposing syndrome. Also called: Tumor predisposition; Hereditary Cancer Syndrome; Hereditary neoplastic syndrome; Neoplastic Syndromes, Hereditary. Identifiers: Orphanet 140162, MedGen C0027672, MeSH D009386, MONDO:0015356.
Lynch syndrome. Identifiers: Orphanet 144, MedGen C4552100, MONDO:0005835. Disease mechanism: loss of function.
Lynch syndrome 5 (LYNCH5). Also called: Colorectal cancer, hereditary nonpolyposis, type 5; Hereditary non-polyposis colorectal cancer, type 5. Identifiers: Orphanet 144, MedGen C1833477, MONDO:0013710, OMIM 614350. Disease mechanism: loss of function.
Hereditary nonpolyposis colorectal neoplasms. Identifiers: MedGen C0009405, MeSH D003123.

Submissions (7):

International Society for Gastrointestinal Hereditary Tumours (InSiGHT)
Classification: Pathogenic for Lynch Syndrome. Last evaluated: 2013-09-05. Review status: reviewed by expert panel. Criteria: Guidelines v1.9. Collection method: research. Allele origin: germline.
Comment: Coding sequence variation resulting in a stop codon

Classified with v1.9 guidelines

GeneDx
Classification: Pathogenic. Last evaluated: 2024-10-01. Review status: criteria provided, single submitter. Criteria: GeneDx Variant Classification Process June 2021. Collection method: clinical testing. Allele origin: germline. Affected: yes. Not counted in ClinVar's aggregate classification.
Comment: Frameshift variant predicted to result in protein truncation in a gene for which loss of function is a known mechanism of disease; Not observed at significant frequency in large population cohorts (gnomAD); Observed in patients with Lynch-related cancers consistent with pathogenic variants in this gene (PMID: 27064304); Truncating variants in this gene are considered pathogenic by a well-established clinical consortium and/or database; This variant is associated with the following publications: (PMID: 37307877, 17531815, 21120944, 12019211, 27064304)

Labcorp Genetics (formerly Invitae), Labcorp
Classification: Pathogenic for Hereditary nonpolyposis colorectal neoplasms. Last evaluated: 2024-04-29. Review status: criteria provided, single submitter. Criteria: Invitae Variant Classification Sherloc (09022015). Collection method: clinical testing. Allele origin: germline. Not counted in ClinVar's aggregate classification.
Comment: This sequence change creates a premature translational stop signal (p.Glu1310Ilefs*20) in the MSH6 gene. While this is not anticipated to result in nonsense mediated decay, it is expected to disrupt the last 51 amino acid(s) of the MSH6 protein. This variant is present in population databases (rs587779296, gnomAD 0.007%). This premature translational stop signal has been observed in individual(s) with MSH6-related conditions (PMID: 21520333). ClinVar contains an entry for this variant (Variation ID: 89481). Algorithms developed to predict the effect of sequence changes on RNA splicing suggest that this variant may disrupt the consensus splice site. This variant disrupts a region of the MSH6 protein in which other variant(s) (p.Leu1330Valfs*12) have been determined to be pathogenic (PMID: 14520694, 15236168, 16237223, 19851887, 21155762, 24440087). This suggests that this is a clinically significant region of the protein, and that variants that disrupt it are likely to be disease-causing. For these reasons, this variant has been classified as Pathogenic.

Myriad Genetics, Inc.
Classification: Pathogenic for Lynch syndrome 5. Last evaluated: 2023-08-28. Review status: criteria provided, single submitter. Criteria: Myriad Autosomal Dominant, Autosomal Recessive and X-Linked Classification Criteria (2023). Collection method: clinical testing. Allele origin: unknown. Not counted in ClinVar's aggregate classification.
Comment: This variant is considered pathogenic. This variant creates a frameshift predicted to result in premature protein truncation.

Ambry Genetics
Classification: Likely pathogenic for Hereditary cancer-predisposing syndrome. Last evaluated: 2023-07-21. Review status: criteria provided, single submitter. Criteria: Ambry Variant Classification Scheme 2023. Collection method: clinical testing. Allele origin: germline. Not counted in ClinVar's aggregate classification.
Comment: The c.3920_3927dupATCTCCCA variant, located in coding exon 9 of the MSH6 gene, results from a duplication of ATCTCCCA at nucleotide position 3920, causing a translational frameshift with a predicted alternate stop codon (p.E1310Ifs*20). This alteration occurs at the 3' terminus of theMSH6 gene, is not expected to trigger nonsense-mediated mRNA decay, and only impacts the last 52 amino acids of the protein. However, premature stop codons are typically deleterious in nature and the impacted region is critical for protein function (Ambry internal data). Based on the majority of available evidence to date, this variant is likely to be pathogenic.

Quest Diagnostics Nichols Institute San Juan Capistrano
Classification: Pathogenic. Last evaluated: 2018-07-24. Review status: criteria provided, single submitter. Criteria: Quest Diagnostics criteria. Collection method: clinical testing. Allele origin: germline. Not counted in ClinVar's aggregate classification.

Department of Pathology and Laboratory Medicine, Sinai Health System
Classification: Pathogenic. Review status: no assertion criteria provided. Collection method: clinical testing. Allele origin: unknown. Affected: yes. Study: The Canadian Open Genetics Repository (COGR). Not counted in ClinVar's aggregate classification.
Comment: The MSH6 p.Glu1310Ilefs*20 variant was not identified in the literature nor was it identified in the UMD-LSDB database. The variant was identified in dbSNP (ID: rs587779296) as "With Pathogenic allele", ClinVar (classified as pathogenic by Invitae, GeneDx, and InSight), and Insight Hereditary Tumors Database (2x as class5). The variant was not identified in the following control databases: the Exome Aggregation Consortium (August 8th 2016) or the Genome Aggregation Database (Feb 27, 2017). The c.3920_3927dup variant is predicted to cause a frameshift, which alters the protein's amino acid sequence beginning at codon 1310 and leads to a premature stop codon at position 1329. This alteration is then predicted to result in a truncated or absent protein and loss of function. Loss of function variants of the MSH6 gene are an established mechanism of disease in Lynch syndrome and is the type of variant expected to cause the disorder. In summary, based on the above information, this variant meets our laboratoryâ€šÃ„Ã´s criteria to be classified as pathogenic.

Literature cited by the submitters: PubMed 21520333 (cited by Labcorp Genetics (formerly Invitae), Labcorp); PubMed 14520694 (cited by Labcorp Genetics (formerly Invitae), Labcorp); PubMed 15236168 (cited by Labcorp Genetics (formerly Invitae), Labcorp); PubMed 16237223 (cited by Labcorp Genetics (formerly Invitae), Labcorp); PubMed 19851887 (cited by Labcorp Genetics (formerly Invitae), Labcorp); PubMed 21155762 (cited by Labcorp Genetics (formerly Invitae), Labcorp); PubMed 24440087 (cited by Labcorp Genetics (formerly Invitae), Labcorp); PubMed 37307877 (cited by Ambry Genetics).

NM_000179.3(MSH6):c.3920_3927dup (p.Glu1310fs)

Gene: MSH6 (mutS homolog 6; plus strand). Cytogenetic location: 2p16.3.
Variant type: Duplication.
Coding change: c.3920_3927dup on transcript NM_000179.3 (MANE Select); coding-DNA positions 3920 to 3927, 8 bases duplicated (ATCTCCCA; older notation c.3920_3927dupATCTCCCA).
Protein change: p.Glu1310fs; shifts the reading frame from glutamic acid 1310.
Molecular consequence: frameshift variant.
Genome position (GRCh38, 1-based): chr2:47,806,570-47,806,577, ATCTCCCA duplicated; duplicating any 8 consecutive bases within chr2:47,806,569-47,806,577 gives the same sequence; the c. name uses the placement nearest the transcript's 3' end. VCF-style (leftmost placement, unchanged base first): chr2-47806568-T-TAATCTCCC. GRCh37 (hg19) VCF-style: chr2-48033707-T-TAATCTCCC.
Other names: c.3530_3537dup, p.Glu1180fs (NM_001281492.2); c.3014_3021dup, p.Glu1008fs (NM_001281493.2, NM_001281494.2); c.3920_3927dupATCTCCCA (NM_000179.2); short protein forms E1180fs, E1008fs, E1310fs.
Identifiers: ClinVar variation 89481 (VCV000089481.21), dbSNP rs587779295, ClinGen allele CA330577.
Genomic context (GRCh38, chr2:47,806,568, plus strand): 5'-CTATAAATTCATTAAGGGAGCTTGTCCTAAAAGCTATGGCTTTAATGCAGCAAGGCTTGC[T>TAATCTCCC]AATCTCCCAGAGGAAGTTATTCAAAAGGGACATAGAAAAGCAAGAGAATTTGAGAAGATG-3'